The following is an entry in ClinVar:

NM_004380.3(CREBBP):c.3779+7A>G

Gene: CREBBP (CREB binding lysine acetyltransferase; minus strand). Cytogenetic location: 16p13.3.
Variant type: single nucleotide variant.
Coding change: c.3779+7A>G on transcript NM_004380.3 (MANE Select); 7 bases into the intron after coding-DNA position 3779, A replaced by G.
Molecular consequence: intron variant.
Genome position (GRCh38, 1-based): chr16:3,751,719, T>C on the plus strand (A>G on the coding strand, the complement: CREBBP is on the minus strand). VCF-style: chr16-3751719-T-C. GRCh37 (hg19) VCF-style: chr16-3801720-T-C.
Other names: c.3665+7A>G (NM_001079846.1).
Identifiers: ClinVar variation 3349391 (VCV003349391.1).

ClinVar aggregate classification (germline): Likely benign (0 of 4 stars; one submission).

Conditions:
CREBBP-related disorder. Also called: CREBBP-related condition; CREBBP-related disorders.

gnomAD v4.1: 2 of 1,613,958 alleles (0.00012%); highest among the groups gnomAD compares: Non-Finnish European, 0.00017%; no homozygotes.

Submission:

PreventionGenetics, part of Exact Sciences
Classification: Likely benign for CREBBP-related condition. Last evaluated: 2024-02-19. Review status: no assertion criteria provided. Collection method: clinical testing. Allele origin: germline.
Comment: This variant is classified as likely benign based on ACMG/AMP sequence variant interpretation guidelines (Richards et al. 2015 PMID: 25741868, with internal and published modifications).